The following is an entry in ClinVar:

ClinVar aggregate classification (germline): Uncertain significance. Review status: criteria provided, multiple submitters, no conflicts (2 of 4 stars). 3 submissions from 3 submitters: Uncertain significance (3). Last evaluated 2026-01-26.

Conditions:
Candidiasis, familial, 9 (CANDF9). Identifiers: Orphanet 1334, MedGen C4225324, MONDO:0014642, OMIM 616445.

Allele frequency attached by ClinVar (database versions not stated): gnomAD exomes 0.00067 and 0.00144; TOPMed 0.00075; ExAC 0.00077; gnomAD 0.00086 and 0.00091; ESP Exome Variant Server 0.00116; 1000 Genomes Project 30x 0.00016; 1000 Genomes Project 0.00020.

Submissions (3):

Labcorp Genetics (formerly Invitae), Labcorp
Classification: Uncertain significance for Candidiasis, familial, 9. Last evaluated: 2026-01-26. Review status: criteria provided, single submitter. Criteria: Invitae Variant Classification Sherloc (09022015). Collection method: clinical testing. Allele origin: germline.
Comment: This sequence change replaces alanine, which is neutral and non-polar, with valine, which is neutral and non-polar, at codon 673 of the IL17RC protein (p.Ala673Val). This variant is present in population databases (rs147287050, gnomAD 0.1%), and has an allele count higher than expected for a pathogenic variant. This variant has not been reported in the literature in individuals affected with IL17RC-related conditions. ClinVar contains an entry for this variant (Variation ID: 641605). An algorithm developed to predict the effect of missense changes on protein structure and function (PolyPhen-2) suggests that this variant is likely to be tolerated. In summary, the available evidence is currently insufficient to determine the role of this variant in disease. Therefore, it has been classified as a Variant of Uncertain Significance.

Women's Health and Genetics/Laboratory Corporation of America, LabCorp
Classification: Uncertain significance. Last evaluated: 2024-05-02. Review status: criteria provided, single submitter. Criteria: LabCorp Variant Classification Summary - May 2015. Collection method: clinical testing. Allele origin: germline.
Comment: Variant summary: IL17RC c.2018C>T (p.Ala673Val) results in a non-conservative amino acid change located in the SEFIR domain (IPR013568) of the encoded protein sequence. Four of five in-silico tools predict a benign effect of the variant on protein function. The variant allele was found at a frequency of 0.00067 in 226912 control chromosomes (gnomAD). To our knowledge, no occurrence of c.2018C>T in individuals affected with Candidiasis, Familial, 9 and no experimental evidence demonstrating its impact on protein function have been reported. ClinVar contains an entry for this variant (Variation ID: 641605). Based on the evidence outlined above, the variant was classified as uncertain significance.

Breakthrough Genomics
Classification: Uncertain significance. Review status: criteria provided, single submitter. Criteria: ACMG Guidelines, 2015. Collection method: not provided. Allele origin: germline. Inheritance: Autosomal recessive inheritance. Affected: yes.

NM_153460.4(IL17RC):c.1805C>T (p.Ala602Val)

Gene: IL17RC (interleukin 17 receptor C; plus strand). Cytogenetic location: 3p25.3.
Variant type: single nucleotide variant.
Coding change: c.1805C>T on transcript NM_153460.4 (MANE Select); coding-DNA position 1805, C replaced by T.
Protein change: p.Ala602Val; replaces alanine 602 with valine.
Molecular consequence: missense variant. On other transcripts: non-coding transcript variant (1).
Genome position (GRCh38, 1-based): chr3:9,933,235, C>T. VCF-style: chr3-9933235-C-T. GRCh37 (hg19) VCF-style: chr3-9974919-C-T.
Other names: c.1766C>T, p.Ala589Val (NM_001203263.2); c.1715C>T, p.Ala572Val (NM_001203264.2); c.1709C>T, p.Ala570Val (NM_001203265.2); c.1727C>T, p.Ala576Val (NM_001367278.1); c.1646C>T, p.Ala549Val (NM_001367279.1); c.1721C>T, p.Ala574Val (NM_001367280.1); c.1760C>T, p.Ala587Val (NM_032732.6); c.2018C>T, p.Ala673Val (NM_153461.4); short protein forms A572V, A587V, A589V, A602V, A673V, A574V, A576V, A549V.
Identifiers: ClinVar variation 641605 (VCV000641605.9), dbSNP rs147287050, ClinGen allele CA2247416.